The following is an entry in ClinVar:

NM_032043.3(BRIP1):c.328T>C (p.Tyr110His)

Gene: BRIP1 (BRCA1 interacting DNA helicase 1; minus strand). Cytogenetic location: 17q23.2.
Variant type: single nucleotide variant.
Coding change: c.328T>C on transcript NM_032043.3 (MANE Select); coding-DNA position 328, T replaced by C.
Protein change: p.Tyr110His; replaces tyrosine 110 with histidine.
Molecular consequence: missense variant.
Genome position (GRCh38, 1-based): chr17:61,857,109, A>G on the plus strand (T>C on the coding strand, the complement: BRIP1 is on the minus strand). VCF-style: chr17-61857109-A-G. GRCh37 (hg19) VCF-style: chr17-59934470-A-G.
Other names: short protein forms Y110H.
Identifiers: ClinVar variation 461145 (VCV000461145.12), dbSNP rs1555617821, ClinGen allele CA400485360.

ClinVar aggregate classification (germline): Uncertain significance. Review status: criteria provided, multiple submitters, no conflicts (2 of 4 stars). 2 submissions from 2 submitters: Uncertain significance (2). Last evaluated 2023-04-09.

Conditions:
Hereditary cancer-predisposing syndrome. Also called: Hereditary neoplastic syndrome; Neoplastic Syndromes, Hereditary; Tumor predisposition; Hereditary Cancer Syndrome. Identifiers: Orphanet 140162, MedGen C0027672, MeSH D009386, MONDO:0015356.
Fanconi anemia complementation group J. Also called: BRIP1-Related Fanconi Anemia. Identifiers: Orphanet 84, MedGen C1836860, MONDO:0012187, OMIM 609054.
Familial cancer of breast. Also called: BREAST CANCER, FAMILIAL; hereditary breast carcinoma; Hereditary breast cancer. Identifiers: Orphanet 227535, MedGen C0346153, MONDO:0016419, OMIM 114480. Disease mechanism: loss of function.

Allele frequency attached by ClinVar (database versions not stated): gnomAD below 0.00001 and 0.00001.
gnomAD v4.1: 1 of 1,614,038 alleles (0.000062%); highest among the groups gnomAD compares: South Asian, 0.0011%; no homozygotes.

Submissions (2):

Ambry Genetics
Classification: Uncertain significance for Hereditary cancer-predisposing syndrome. Last evaluated: 2023-04-09. Review status: criteria provided, single submitter. Criteria: Ambry Variant Classification Scheme 2023. Collection method: clinical testing. Allele origin: germline.
Comment: The p.Y110H variant (also known as c.328T>C), located in coding exon 3 of the BRIP1 gene, results from a T to C substitution at nucleotide position 328. The tyrosine at codon 110 is replaced by histidine, an amino acid with similar properties. This amino acid position is poorly conserved in available vertebrate species. In addition, this alteration is predicted to be tolerated by in silico analysis. Since supporting evidence is limited at this time, the clinical significance of this alteration remains unclear.

Labcorp Genetics (formerly Invitae), Labcorp
Classification: Uncertain significance for Familial cancer of breast; Fanconi anemia complementation group J. Last evaluated: 2017-03-13. Review status: criteria provided, single submitter. Criteria: Invitae Variant Classification Sherloc (09022015). Collection method: clinical testing. Allele origin: germline.
Comment: This variant is not present in population databases (ExAC no frequency) and has not been reported in the literature in individuals with a BRIP1-related disease. This sequence change replaces tyrosine with histidine at codon 110 of the BRIP1 protein (p.Tyr110His). The tyrosine residue is weakly conserved and there is a moderate physicochemical difference between tyrosine and histidine. Algorithms developed to predict the effect of missense changes on protein structure and function (SIFT, PolyPhen-2, Align-GVGD) all suggest that this variant is likely to be tolerated, but these predictions have not been confirmed by published functional studies. In summary, this variant is a novel missense change that is not predicted to affect protein function. There is no indication that it causes disease, but the available evidence is currently insufficient to prove that conclusively. Therefore, it has been classified as a Variant of Uncertain Significance.